The following is an entry in ClinVar:

NM_001129.5(AEBP1):c.1659G>C (p.Glu553Asp)

Gene: AEBP1 (AE binding protein 1; plus strand). Cytogenetic location: 7p13.
Variant type: single nucleotide variant.
Coding change: c.1659G>C on transcript NM_001129.5 (MANE Select); coding-DNA position 1659, G replaced by C.
Protein change: p.Glu553Asp; replaces glutamic acid 553 with aspartic acid.
Molecular consequence: missense variant.
Genome position (GRCh38, 1-based): chr7:44,111,182, G>C. VCF-style: chr7-44111182-G-C. GRCh37 (hg19) VCF-style: chr7-44150781-G-C.
Other names: short protein forms E553D.
Identifiers: ClinVar variation 1911809 (VCV001911809.2), dbSNP rs775344638, ClinGen allele CA4237958.

ClinVar aggregate classification (germline): Uncertain significance (1 of 4 stars; one submission).

Allele frequency attached by ClinVar (database versions not stated): TOPMed 0.00003; ExAC 0.00006.
gnomAD v4.1: 12 of 1,520,308 alleles (0.00079%); highest among the groups gnomAD compares: Admixed American, 0.024%; no homozygotes.

Submission:

Labcorp Genetics (formerly Invitae), Labcorp
Classification: Uncertain significance. Last evaluated: 2022-08-12. Review status: criteria provided, single submitter. Criteria: Invitae Variant Classification Sherloc (09022015). Collection method: clinical testing. Allele origin: germline.
Comment: This sequence change replaces glutamic acid, which is acidic and polar, with aspartic acid, which is acidic and polar, at codon 553 of the AEBP1 protein (p.Glu553Asp). This variant is present in population databases (rs775344638, gnomAD 0.05%). This variant has not been reported in the literature in individuals affected with AEBP1-related conditions. Algorithms developed to predict the effect of missense changes on protein structure and function are either unavailable or do not agree on the potential impact of this missense change (SIFT: "Deleterious"; PolyPhen-2: "Possibly Damaging"; Align-GVGD: "Class C0"). In summary, the available evidence is currently insufficient to determine the role of this variant in disease. Therefore, it has been classified as a Variant of Uncertain Significance.